The following is an entry in ClinVar:

NM_001127898.4(CLCN5):c.2320C>T (p.Arg774Ter)

Genes: CLCN5 (Cl-/H+ antiporter 5; plus strand), LOC126863258 (BRD4-independent group 4 enhancer GRCh37_chrX:49854497-49855696; plus strand). Cytogenetic location: Xp11.23.
Variant type: single nucleotide variant.
Coding change: c.2320C>T on transcript NM_001127898.4 (MANE Select); coding-DNA position 2320, C replaced by T.
Protein change: p.Arg774Ter; replaces arginine 774 with a stop codon.
Molecular consequence: nonsense.
Genome position (GRCh38, 1-based): chrX:50,090,846, C>T. VCF-style: chrX-50090846-C-T. GRCh37 (hg19) VCF-style: chrX-49855503-C-T.
Other names: c.2110C>T (NM_000084.4); c.2110C>T, p.Arg704Ter (NM_000084.5); c.2320C>T, p.Arg774Ter (NM_001127899.4); c.2170C>T, p.Arg724Ter (NM_001282163.2); short protein forms R704*, R774*, R724*.
Identifiers: ClinVar variation 11800 (VCV000011800.10), dbSNP rs151340624, ClinGen allele CA121674.

ClinVar aggregate classification (germline): Conflicting classifications of pathogenicity. Review status: criteria provided, conflicting classifications (1 of 4 stars). 7 submissions from 7 submitters: Pathogenic (2); Likely pathogenic (2); Uncertain significance (1). 2 of the submissions do not count toward it. Last evaluated 2024-02-16.

Conditions:
Proteinuria, low molecular weight, with hypercalciuria and nephrocalcinosis. Identifiers: Orphanet 1652, Orphanet 93622, MedGen C1839874, MONDO:0010644, OMIM 308990.
Dent disease type 1 (DENT1). Also called: NEPHROLITHIASIS 2; NEPHROLITHIASIS, HYPERCALCIURIC, X-LINKED. Identifiers: Orphanet 1652, Orphanet 93622, MedGen C1848336, MONDO:0010225, OMIM 300009.
CLCN5-related disorder. Also called: CLCN5-related condition.
X-linked recessive nephrolithiasis with renal failure (XRN). Also called: NEPHROLITHIASIS 1; NEPHROLITHIASIS, X-LINKED RECESSIVE, TYPE 1; UROLITHIASIS, X-LINKED RECESSIVE, TYPE 1. Identifiers: Orphanet 1652, Orphanet 93622, MedGen C0403720, MONDO:0010687, OMIM 310468.

Allele frequency attached by ClinVar (database versions not stated): gnomAD exomes below 0.00001.

Submissions (7):

3billion
Classification: Likely pathogenic for Dent disease type 1; Proteinuria, low molecular weight, with hypercalciuria and nephrocalcinosis. Last evaluated: 2024-02-16. Review status: criteria provided, single submitter. Criteria: ACMG Guidelines, 2015. Collection method: clinical testing. Allele origin: germline. Affected: yes.
Comment: The variant is not observed in the gnomAD v2.1.1 dataset. Predicted Consequence/Location: Stop-gained (nonsense): predicted to result in a loss or disruption of normal protein function through protein truncation. The predicted truncated protein may be shortened by less than 10%. The variant has been observed in multiple (>3) similarly affected unrelated individuals (PMID: 24081861, 8559248). Therefore, this variant is classified as Likely pathogenic according to the recommendation of ACMG/AMP guideline.

Blueprint Genetics
Classification: Pathogenic for CLCN5-related disorders. Last evaluated: 2023-11-24. Review status: criteria provided, single submitter. Criteria: ACMG Guidelines, 2015. Collection method: clinical testing. Allele origin: germline. Affected: yes. Observed: 1 variant allele.

MVZ Medizinische Genetik Mainz
Classification: Pathogenic for Dent disease type 1. Last evaluated: 2023-06-05. Review status: criteria provided, single submitter. Criteria: UK Practice Guidelines For Variant Classification V4 01 2020. Collection method: clinical testing. Allele origin: germline. Inheritance: X-linked dominant inheritance. Affected: yes. Observed: 1 variant allele.
Comment: ACMG Criteria: PVS1_STR,PS3,PS4,PM2_SUP,PP1_MOD,PP4

Broad Center for Mendelian Genomics, Broad Institute of MIT and Harvard
Classification: Uncertain significance for X-linked recessive nephrolithiasis with renal failure. Last evaluated: 2018-12-03. Review status: criteria provided, single submitter. Criteria: ACMG Guidelines, 2015. Collection method: research. Allele origin: germline. Inheritance: X-linked inheritance. Affected: yes.
Comment: This variant was absent from large population studies. This variant has also been reported pathogenic by OMIM in ClinVar (Variation ID: 11800). This nonsense variant leads to a premature termination codon at position 774. This alteration occurs within the terminal 50 bases of the second to last exon and is more likely to escape nonsense mediated decay (NMD) and result in a truncated protein. It is of note that loss of function of CLCN5 in an X-linked disease has not yet been established based on the criteria laid out in Tayoun, 2018 (PMID: 30192042). In summary, while there is some suspicion for a pathogenic role, the clinical significance of this variant is uncertain. ACMG/AMP Criteria applied: PM2, PP3 (Richards 2015).

Clinical Genetics Service, Universitary Hospital 12 de Octubre
Classification: Likely pathogenic for Dent disease type 1. Review status: criteria provided, single submitter. Criteria: ACMG Guidelines, 2015. Collection method: clinical testing. Allele origin: de novo. Affected: yes.

PreventionGenetics, part of Exact Sciences
Classification: Pathogenic for CLCN5-related condition. Last evaluated: 2023-11-22. Review status: no assertion criteria provided. Collection method: clinical testing. Allele origin: germline. Not counted in ClinVar's aggregate classification.
Comment: The CLCN5 c.2110C>T variant is predicted to result in premature protein termination (p.Arg704*). This variant was reported in several individuals with Dent disease (Reported as R704X in Lloyd et al. 1996. PubMed ID: 8559248; Supp. Table S3, reported as c.2320C>T with NM_001127898 in Rao et al. 2019. PubMed ID: 31328266; Supp. Table S1, P637 in Hureaux et al. 2019. PubMed ID: 31672324). This variant occurs in the last exon of the CLCN5 gene, but several other nonsense variants have been reported downstream of this variant (Human Gene Mutation Database). This variant has not been reported in a large population database, indicating this variant is rare. Nonsense variants in CLCN5 are expected to be pathogenic. This variant is interpreted as pathogenic.

OMIM
Classification: Pathogenic for NEPHROLITHIASIS, X-LINKED RECESSIVE. Last evaluated: 1996-02-01. Review status: no assertion criteria provided. Collection method: literature only. Allele origin: germline. Not counted in ClinVar's aggregate classification.

Literature cited by the submitters: PubMed 24081861 (cited by 3billion); PubMed 8559248 (cited by 3 submitters).